The following is an entry in ClinVar:

NM_001267550.2(TTN):c.30427G>A (p.Asp10143Asn)

Gene: TTN (titin; minus strand). Cytogenetic location: 2q31.2.
Variant type: single nucleotide variant.
Coding change: c.30427G>A on transcript NM_001267550.2 (MANE Select); coding-DNA position 30427, G replaced by A.
Protein change: p.Asp10143Asn; replaces aspartic acid 10143 with asparagine.
Molecular consequence: missense variant. On other transcripts: intron variant (3).
Genome position (GRCh38, 1-based): chr2:178,702,460, C>T on the plus strand (G>A on the coding strand, the complement: TTN is on the minus strand). VCF-style: chr2-178702460-C-T. GRCh37 (hg19) VCF-style: chr2-179567187-C-T.
Other names: c.29476G>A, p.Asp9826Asn (NM_001256850.1); c.26695G>A, p.Asp8899Asn (NM_133378.4); c.13282+35622G>A (NM_003319.4); c.13858+35622G>A (NM_133437.4); c.13657+35622G>A (NM_133432.3); c.30427G>A (NM_001267550.1); short protein forms D10143N, D9826N, D8899N.
Identifiers: ClinVar variation 452223 (VCV000452223.4), dbSNP rs1553875406, ClinGen allele CA349570558.

ClinVar aggregate classification (germline): Uncertain significance (1 of 4 stars; one submission).

Allele frequency attached by ClinVar (database versions not stated): gnomAD exomes below 0.00001.
gnomAD v4.1: 1 of 1,613,762 alleles (0.000062%); no homozygotes.

Submission:

GeneDx
Classification: Uncertain significance. Last evaluated: 2025-01-02. Review status: criteria provided, single submitter. Criteria: GeneDx Variant Classification Process June 2021. Collection method: clinical testing. Allele origin: germline. Affected: yes.
Comment: Not observed at significant frequency in large population cohorts (gnomAD); Missense variant in a gene in which most reported pathogenic variants are truncating/loss of function; Has not been previously published as pathogenic or benign to our knowledge